The following is an entry in ClinVar:

NM_016151.4(TAOK2):c.94C>T (p.Arg32Trp)

Gene: TAOK2 (TAO kinase 2; plus strand). Cytogenetic location: 16p11.2.
Variant type: single nucleotide variant.
Coding change: c.94C>T on transcript NM_016151.4 (MANE Select); coding-DNA position 94, C replaced by T.
Protein change: p.Arg32Trp; replaces arginine 32 with tryptophan.
Molecular consequence: missense variant.
Genome position (GRCh38, 1-based): chr16:29,977,866, C>T. VCF-style: chr16-29977866-C-T. GRCh37 (hg19) VCF-style: chr16-29989187-C-T.
Other names: c.94C>T, p.Arg32Trp (NM_001252043.2, NM_004783.4); short protein forms R32W.
Identifiers: ClinVar variation 1424993 (VCV001424993.8), dbSNP rs751670508, ClinGen allele CA7997708.
Genomic context (GRCh38, chr16:29,977,866, plus strand): 5'-GACCCAGATGTGGCTGAGCTCTTCTTCAAGGATGACCCAGAAAAGCTCTTCTCTGACCTC[C>T]GGGAAATTGGCCATGGCAGCTTTGGAGCCGTATACTTTGTGAGTTGGGTCTTGGGAGGGT-3'
Protein context (NP_057235.2, residues 22-42): DDPEKLFSDL[Arg32Trp]EIGHGSFGAV

ClinVar aggregate classification (germline): Uncertain significance (1 of 4 stars; one submission).

Allele frequency attached by ClinVar (database versions not stated): gnomAD exomes below 0.00001; ExAC 0.00001; gnomAD 0.00001; TOPMed 0.00001.

Submission:

Labcorp Genetics (formerly Invitae), Labcorp
Classification: Uncertain significance. Last evaluated: 2021-04-19. Review status: criteria provided, single submitter. Criteria: Invitae Variant Classification Sherloc (09022015). Collection method: clinical testing. Allele origin: germline.
Comment: In summary, the available evidence is currently insufficient to determine the role of this variant in disease. Therefore, it has been classified as a Variant of Uncertain Significance. Algorithms developed to predict the effect of missense changes on protein structure and function are either unavailable or do not agree on the potential impact of this missense change (SIFT: "Deleterious"; PolyPhen-2: "Probably Damaging"; Align-GVGD: "Class C0"). This variant has not been reported in the literature in individuals with TAOK2-related conditions. This variant is present in population databases (rs751670508, ExAC 0.006%). This sequence change replaces arginine with tryptophan at codon 32 of the TAOK2 protein (p.Arg32Trp). The arginine residue is highly conserved and there is a moderate physicochemical difference between arginine and tryptophan.